The following is an entry in ClinVar:

NM_001267550.2(TTN):c.84602G>A (p.Trp28201Ter)

Genes: TTN (titin; minus strand), TTN-AS1 (TTN antisense RNA 1; plus strand). Cytogenetic location: 2q31.2.
Variant type: single nucleotide variant.
Coding change: c.84602G>A on transcript NM_001267550.2 (MANE Select); coding-DNA position 84602, G replaced by A.
Protein change: p.Trp28201Ter; replaces tryptophan 28201 with a stop codon.
Molecular consequence: nonsense.
Genome position (GRCh38, 1-based): chr2:178,561,530, C>T on the plus strand (G>A on the coding strand, the complement: TTN is on the minus strand). VCF-style: chr2-178561530-C-T. GRCh37 (hg19) VCF-style: chr2-179426257-C-T.
Other names: c.79679G>A, p.Trp26560Ter (NM_001256850.1); c.57407G>A, p.Trp19136Ter (NM_003319.4); c.76898G>A, p.Trp25633Ter (NM_133378.4); c.57782G>A, p.Trp19261Ter (NM_133432.3); c.57983G>A, p.Trp19328Ter (NM_133437.4); short protein forms W19136*, W19261*, W26560*, W28201*, W19328*, W25633*.
Identifiers: ClinVar variation 1505786 (VCV001505786.6), dbSNP rs2154159779, ClinGen allele CA349559104.

ClinVar aggregate classification (germline): Likely pathogenic (1 of 4 stars; one submission).

Conditions:
Dilated cardiomyopathy 1G (CMD1G). Identifiers: Orphanet 154, MedGen C1858763, MONDO:0011400, OMIM 604145.
Autosomal recessive limb-girdle muscular dystrophy type 2J (LGMDR10). Also called: MUSCULAR DYSTROPHY, LIMB-GIRDLE, AUTOSOMAL RECESSIVE 10; Limb-girdle muscular dystrophy, type 2J. Identifiers: Orphanet 140922, MedGen C1837342, MONDO:0012127, OMIM 608807.

Submission:

Labcorp Genetics (formerly Invitae), Labcorp
Classification: Likely pathogenic for Dilated cardiomyopathy 1G; Autosomal recessive limb-girdle muscular dystrophy type 2J. Last evaluated: 2021-08-04. Review status: criteria provided, single submitter. Criteria: Invitae Variant Classification Sherloc (09022015). Collection method: clinical testing. Allele origin: germline.
Comment: This sequence change creates a premature translational stop signal (p.Trp28201*) in the TTN gene. While this is not anticipated to result in nonsense mediated decay, it is expected to create a truncated TTN protein. This variant is not present in population databases (ExAC no frequency). This premature translational stop signal has been observed in individual(s) with dilated cardiomyopathy (Invitae). This variant is located in the A band of TTN (PMID: 25589632). Truncating variants in this region are significantly overrepresented in patients affected with dilated cardiomyopathy (PMID: 25589632). Truncating variants in this region have also been reported in individuals affected with autosomal recessive centronuclear myopathy (PMID: 23975875). In summary, the currently available evidence indicates that the variant is pathogenic, but additional data are needed to prove that conclusively. Therefore, this variant has been classified as Likely Pathogenic.

Literature cited by the submitters: PubMed 25589632; PubMed 23975875.